The following is an entry in ClinVar:

ClinVar aggregate classification (germline): Pathogenic/Likely pathogenic. Review status: criteria provided, multiple submitters, no conflicts (2 of 4 stars). 7 submissions from 7 submitters: Pathogenic (4); Likely pathogenic (2). 1 of the submissions does not count toward it. Last evaluated 2024-12-11.

Conditions:
GDF5-related disorder. Also called: GDF5 (CDMP1)-related disorder; GDF5-related condition. Identifiers: MedGen CN169990.
Grebe syndrome. Also called: ACROMESOMELIC DYSPLASIA 2A; ACROMESOMELIC DYSPLASIA, GREBE TYPE; GREBE DYSPLASIA. Identifiers: Orphanet 2098, MedGen C0265260, MONDO:0008703, OMIM 200700.
Type A2 brachydactyly (BDA2). Also called: BRACHYMESOPHALANGY II; MOHR-WRIEDT TYPE BRACHYDACTYLY; Brachymesophalangy type 2. Identifiers: Orphanet 93396, MedGen C1832702, MONDO:0007216, OMIM 112600, HP:0009372.

Allele frequency attached by ClinVar (database versions not stated): gnomAD exomes below 0.00001; ExAC 0.00001.
gnomAD v4.1: 3 of 1,614,182 alleles (0.00019%); highest among the groups gnomAD compares: Non-Finnish European, 0.00025%; no homozygotes.

Submissions (7):

Women's Health and Genetics/Laboratory Corporation of America, LabCorp
Classification: Pathogenic for Grebe syndrome. Last evaluated: 2024-12-11. Review status: criteria provided, single submitter. Criteria: LabCorp Variant Classification Summary - May 2015. Collection method: clinical testing. Allele origin: germline.
Comment: Variant summary: GDF5 c.1139G>A (p.Arg380Gln) results in a conservative amino acid change in the encoded protein sequence. Four of five in-silico tools predict a damaging effect of the variant on protein function. The variant allele was found at a frequency of 4e-06 in 250398 control chromosomes (gnomAD). c.1139G>A has been reported in the literature in multiple individuals affected with Brachydactyly type A2 (Ploger_2008). These data indicate that the variant is very likely to be associated with disease. At least one publication reports experimental evidence evaluating an impact on protein function. The most pronounced variant effect results in 10%-<30% of normal activity (Ploger_2008). ClinVar contains an entry for this variant (Variation ID: 40891). Based on the evidence outlined above, the variant was classified as pathogenic.

Labcorp Genetics (formerly Invitae), Labcorp
Classification: Pathogenic. Last evaluated: 2023-12-15. Review status: criteria provided, single submitter. Criteria: Invitae Variant Classification Sherloc (09022015). Collection method: clinical testing. Allele origin: germline.
Comment: This sequence change replaces arginine, which is basic and polar, with glutamine, which is neutral and polar, at codon 380 of the GDF5 protein (p.Arg380Gln). This variant is present in population databases (rs397514668, gnomAD 0.0009%). This missense change has been observed in individual(s) with autosomal dominant brachydactyly type A2 (PMID: 18203755). It has also been observed to segregate with disease in related individuals. ClinVar contains an entry for this variant (Variation ID: 40891). Advanced modeling of protein sequence and biophysical properties (such as structural, functional, and spatial information, amino acid conservation, physicochemical variation, residue mobility, and thermodynamic stability) performed at Invitae indicates that this missense variant is not expected to disrupt GDF5 protein function with a negative predictive value of 80%. Experimental studies have shown that this missense change affects GDF5 function (PMID: 18203755). For these reasons, this variant has been classified as Pathogenic.

3billion
Classification: Likely pathogenic for Type A2 brachydactyly. Last evaluated: 2023-09-11. Review status: criteria provided, single submitter. Criteria: ACMG Guidelines, 2015. Collection method: clinical testing. Allele origin: germline. Affected: yes.
Comment: The variant is observed at an extremely low frequency in the gnomAD v2.1.1 dataset (total allele frequency: 0.000%). Predicted Consequence/Location: Missense variant In silico tool predictions suggest damaging effect of the variant on gene or gene product [REVEL: 0.75 (>=0.6, sensitivity 0.68 and specificity 0.92)]. Same nucleotide change resulting in same amino acid change has been previously reported as pathogenic/likely pathogenic with strong evidence (ClinVar ID: VCV000040891 /PMID: 18203755). Therefore, this variant is classified as Likely pathogenic according to the recommendation of ACMG/AMP guideline.

GeneDx
Classification: Pathogenic. Last evaluated: 2023-04-19. Review status: criteria provided, single submitter. Criteria: GeneDx Variant Classification Process June 2021. Collection method: clinical testing. Allele origin: germline. Affected: yes.
Comment: Published functional studies demonstrate decreased activity and reduced proteolytic cleavage (PMID: 18203755); Not observed at significant frequency in large population cohorts (gnomAD); This variant is associated with the following publications: (PMID: 33195419, 27563484, 18629880, 33333243, 29371961, 22828468, 28771427, 25092592, 31837199, 26275437, 18203755)

Blueprint Genetics
Classification: Pathogenic for GDF5-related disorders. Last evaluated: 2023-03-31. Review status: criteria provided, single submitter. Criteria: ACMG Guidelines, 2015. Collection method: clinical testing. Allele origin: germline. Affected: yes. Observed: 3 variant alleles.

CENTOGENE GmbH and LLC - Guiding Precision Medicine
Classification: Likely pathogenic for Type A2 brachydactyly. Last evaluated: 2021-02-26. Review status: criteria provided, single submitter. Criteria: ACMG Guidelines, 2015. Collection method: clinical testing. Allele origin: germline. Affected: yes.

OMIM
Classification: Pathogenic for BRACHYDACTYLY, TYPE A2. Last evaluated: 2008-05-01. Review status: no assertion criteria provided. Collection method: literature only. Allele origin: germline. Not counted in ClinVar's aggregate classification.

Literature cited by the submitters: PubMed 18203755 (cited by 4 submitters).

NM_000557.5(GDF5):c.1139G>A (p.Arg380Gln)

Genes: GDF5 (growth differentiation factor 5; minus strand), GDF5-AS1 (GDF5 antisense RNA 1; plus strand). Cytogenetic location: 20q11.22.
Variant type: single nucleotide variant.
Coding change: c.1139G>A on transcript NM_000557.5 (MANE Select); coding-DNA position 1139, G replaced by A.
Protein change: p.Arg380Gln; replaces arginine 380 with glutamine.
Molecular consequence: missense variant. On other transcripts: non-coding transcript variant (1).
Genome position (GRCh38, 1-based): chr20:35,434,276, C>T on the plus strand (G>A on the coding strand, the complement: GDF5 is on the minus strand). VCF-style: chr20-35434276-C-T. GRCh37 (hg19) VCF-style: chr20-34022074-C-T.
Other names: c.1139G>A, p.Arg380Gln (NM_001319138.2); c.1139G>A (NM_000557.2); short protein forms R380Q.
Identifiers: ClinVar variation 40891 (VCV000040891.12), dbSNP rs397514668, ClinGen allele CA130835.